The following is an entry in ClinVar:

ClinVar aggregate classification (germline): Uncertain significance (1 of 4 stars; one submission).

Conditions:
Epilepsy, familial adult myoclonic, 5 (EPEO5). Also called: CORTICAL MYOCLONIC TREMOR WITH EPILEPSY, FAMILIAL, 5. Identifiers: Orphanet 86814, MedGen C3809374, MONDO:0014167, OMIM 615400.

Allele frequency attached by ClinVar (database versions not stated): gnomAD exomes below 0.00001; TOPMed below 0.00001.
gnomAD v4.1: 1 of 1,612,912 alleles (0.000062%); highest among the groups gnomAD compares: Admixed American, 0.0017%; no homozygotes.

Submission:

Labcorp Genetics (formerly Invitae), Labcorp
Classification: Uncertain significance for Epilepsy, familial adult myoclonic, 5. Last evaluated: 2021-08-16. Review status: criteria provided, single submitter. Criteria: Invitae Variant Classification Sherloc (09022015). Collection method: clinical testing. Allele origin: germline.
Comment: In summary, the available evidence is currently insufficient to determine the role of this variant in disease. Therefore, it has been classified as a Variant of Uncertain Significance. Advanced modeling of protein sequence and biophysical properties (such as structural, functional, and spatial information, amino acid conservation, physicochemical variation, residue mobility, and thermodynamic stability) performed at Invitae indicates that this missense variant is not expected to disrupt CNTN2 protein function. This variant has not been reported in the literature in individuals affected with CNTN2-related conditions. This variant is not present in population databases (ExAC no frequency). This sequence change replaces valine with methionine at codon 17 of the CNTN2 protein (p.Val17Met). The valine residue is moderately conserved and there is a small physicochemical difference between valine and methionine.

NM_005076.5(CNTN2):c.49G>A (p.Val17Met)

Gene: CNTN2 (contactin 2; plus strand). Cytogenetic location: 1q32.1.
Variant type: single nucleotide variant.
Coding change: c.49G>A on transcript NM_005076.5 (MANE Select); coding-DNA position 49, G replaced by A.
Protein change: p.Val17Met; replaces valine 17 with methionine.
Molecular consequence: missense variant. On other transcripts: non-coding transcript variant (1).
Genome position (GRCh38, 1-based): chr1:205,053,234, G>A. VCF-style: chr1-205053234-G-A. GRCh37 (hg19) VCF-style: chr1-205022362-G-A.
Other names: c.49G>A, p.Val17Met (NM_001346083.2); short protein forms V17M.
Identifiers: ClinVar variation 1489780 (VCV001489780.4), dbSNP rs1290934625, ClinGen allele CA344402522.